The following is an entry in ClinVar:

NM_005477.3(HCN4):c.2663G>C (p.Gly888Ala)

Gene: HCN4 (hyperpolarization activated cyclic nucleotide gated potassium channel 4; minus strand). Cytogenetic location: 15q24.1.
Variant type: single nucleotide variant.
Coding change: c.2663G>C on transcript NM_005477.3 (MANE Select); coding-DNA position 2663, G replaced by C.
Protein change: p.Gly888Ala; replaces glycine 888 with alanine.
Molecular consequence: missense variant.
Genome position (GRCh38, 1-based): chr15:73,323,430, C>G on the plus strand (G>C on the coding strand, the complement: HCN4 is on the minus strand). VCF-style: chr15-73323430-C-G. GRCh37 (hg19) VCF-style: chr15-73615771-C-G.
Other names: short protein forms G888A.
Identifiers: ClinVar variation 4750493 (VCV004750493.1).

ClinVar aggregate classification (germline): Uncertain significance (1 of 4 stars; one submission).

Conditions:
Brugada syndrome 8 (BRGDA8). Identifiers: Orphanet 130, MedGen C2751083, MONDO:0013148, OMIM 613123.

Submission:

Labcorp Genetics (formerly Invitae), Labcorp
Classification: Uncertain significance for Brugada syndrome 8. Last evaluated: 2025-07-30. Review status: criteria provided, single submitter. Criteria: Invitae Variant Classification Sherloc (09022015). Collection method: clinical testing. Allele origin: germline.
Comment: This sequence change replaces glycine, which is neutral and non-polar, with alanine, which is neutral and non-polar, at codon 888 of the HCN4 protein (p.Gly888Ala). This variant is not present in population databases (gnomAD no frequency). This variant has not been reported in the literature in individuals affected with HCN4-related conditions. Invitae Evidence Modeling of protein sequence and biophysical properties (such as structural, functional, and spatial information, amino acid conservation, physicochemical variation, residue mobility, and thermodynamic stability) indicates that this missense variant is not expected to disrupt HCN4 protein function with a negative predictive value of 95%. In summary, the available evidence is currently insufficient to determine the role of this variant in disease. Therefore, it has been classified as a Variant of Uncertain Significance.